The following is an entry in ClinVar:

NM_201384.3(PLEC):c.1179T>G (p.Cys393Trp)

Gene: PLEC (plectin; minus strand). Cytogenetic location: 8q24.3.
Variant type: single nucleotide variant.
Coding change: c.1179T>G on transcript NM_201384.3 (MANE Select); coding-DNA position 1179, T replaced by G.
Protein change: p.Cys393Trp; replaces cysteine 393 with tryptophan.
Molecular consequence: missense variant.
Genome position (GRCh38, 1-based): chr8:143,934,082, A>C on the plus strand (T>G on the coding strand, the complement: PLEC is on the minus strand). VCF-style: chr8-143934082-A-C. GRCh37 (hg19) VCF-style: chr8-145008250-A-C.
Other names: c.1260T>G (NM_000445.4); c.1260T>G, p.Cys420Trp (NM_000445.5); c.1137T>G, p.Cys379Trp (NM_201378.4); c.1113T>G, p.Cys371Trp (NM_201379.3); c.1590T>G, p.Cys530Trp (NM_201380.4); c.1083T>G, p.Cys361Trp (NM_201381.3); c.1179T>G, p.Cys393Trp (NM_201382.4); c.1191T>G, p.Cys397Trp (NM_201383.3); short protein forms C379W, C393W, C530W, C361W, C371W, C397W, C420W.
Identifiers: ClinVar variation 593715 (VCV000593715.14), dbSNP rs782237146, ClinGen allele CA4928112.

ClinVar aggregate classification (germline): Uncertain significance. Review status: criteria provided, multiple submitters, no conflicts (2 of 4 stars). 4 submissions from 4 submitters: Uncertain significance (4). Last evaluated 2026-06-17.

Conditions:
PLEC-related disorder. Also called: PLEC-related disorders; PLEC-related condition.
Epidermolysis bullosa simplex 5C, with pyloric atresia (EBS5C). Also called: PLEC-Related Epidermolysis Bullosa with Pyloric Atresia; PLEC1-Related Epidermolysis Bullosa with Pyloric Atresia; Epidermolysis bullosa simplex with pyloric atresia. Identifiers: Orphanet 158684, MedGen C2677349, MONDO:0012807, OMIM 612138.
Epidermolysis bullosa simplex, Ogna type (EBS5A). Also called: Pidermolysis bullosa simplex 5A, Ogna type; EPIDERMOLYSIS BULLOSA SIMPLEX 5A, OGNA TYPE. Identifiers: Orphanet 79401, MedGen C0432317, MONDO:0007555, OMIM 131950.
Epidermolysis bullosa simplex 5B, with muscular dystrophy (EBS5B). Also called: Epidermolysis bullosa simplex with muscular dystrophy; EPIDERMOLYSIS BULLOSA SIMPLEX AND LIMB-GIRDLE MUSCULAR DYSTROPHY. Identifiers: Orphanet 257, MedGen C2931072, MONDO:0009181, OMIM 226670.
Epidermolysis bullosa simplex with nail dystrophy (EBS5D). Identifiers: MedGen C4225309, MONDO:0014661, OMIM 616487.
Autosomal recessive limb-girdle muscular dystrophy type 2Q (LGMDR17). Also called: MUSCULAR DYSTROPHY, LIMB-GIRDLE, AUTOSOMAL RECESSIVE 17. Identifiers: Orphanet 254361, MedGen C3150989, MONDO:0013390, OMIM 613723.

Allele frequency attached by ClinVar (database versions not stated): gnomAD exomes 0.00001 and 0.00002; ExAC 0.00004; TOPMed 0.00015; gnomAD 0.00017 and 0.00020.
gnomAD v4.1: 44 of 1,611,292 alleles (0.0027%); highest among the groups gnomAD compares: African/African-American, 0.052%; no homozygotes.

Submissions (4):

PreventionGenetics, part of Exact Sciences
Classification: Uncertain significance for PLEC-related condition. Last evaluated: 2026-06-17. Review status: criteria provided, single submitter. Criteria: ACMG Guidelines, 2015. Collection method: clinical testing. Allele origin: germline.
Comment: The PLEC c.1260T>G variant is predicted to result in the amino acid substitution p.Cys420Trp. This variant has been observed in an individual with autosomal dominant dystrophic epidermolysis bullosa along with another PLEC variant (p.Arg1905Trp) and a missense variant in COL7A1 (Table 4, Lucky et al. 2018. PubMed ID: 29334134). This variant is reported in 0.056% of alleles in individuals of African descent in gnomAD. Although we suspect that this variant may be benign, at this time, the clinical significance of this variant is uncertain due to the absence of conclusive functional and genetic evidence.

Labcorp Genetics (formerly Invitae), Labcorp
Classification: Uncertain significance for Autosomal recessive limb-girdle muscular dystrophy type 2Q; Epidermolysis bullosa simplex, Ogna type; Epidermolysis bullosa simplex with nail dystrophy; Epidermolysis bullosa simplex 5C, with pyloric atresia; Epidermolysis bullosa simplex 5B, with muscular dystrophy. Last evaluated: 2025-10-02. Review status: criteria provided, single submitter. Criteria: Invitae Variant Classification Sherloc (09022015). Collection method: clinical testing. Allele origin: germline.
Comment: This sequence change replaces cysteine, which is neutral and slightly polar, with tryptophan, which is neutral and slightly polar, at codon 420 of the PLEC protein (p.Cys420Trp). This variant is present in population databases (rs782237146, gnomAD 0.06%). This variant has not been reported in the literature in individuals affected with PLEC-related conditions. ClinVar contains an entry for this variant (Variation ID: 593715). Experimental studies and prediction algorithms are not available or were not evaluated, and the functional significance of this variant is currently unknown. In summary, the available evidence is currently insufficient to determine the role of this variant in disease. Therefore, it has been classified as a Variant of Uncertain Significance.

Revvity Omics, Revvity
Classification: Uncertain significance. Last evaluated: 2021-03-18. Review status: criteria provided, single submitter. Criteria: ACMG Guidelines, 2015. Collection method: clinical testing. Allele origin: germline.

Eurofins Ntd Llc (ga)
Classification: Uncertain significance. Last evaluated: 2017-08-22. Review status: criteria provided, single submitter. Criteria: EGL Classification Definitions 2015. Collection method: clinical testing. Allele origin: germline. Observed: 1 variant allele, 1 heterozygote.